The following is an entry in ClinVar:

NM_018082.6(POLR3B):c.1763A>G (p.Asp588Gly)

Gene: POLR3B (RNA polymerase III subunit B; plus strand). Cytogenetic location: 12q23.3.
Variant type: single nucleotide variant.
Coding change: c.1763A>G on transcript NM_018082.6 (MANE Select); coding-DNA position 1763, A replaced by G.
Protein change: p.Asp588Gly; replaces aspartic acid 588 with glycine.
Molecular consequence: missense variant.
Genome position (GRCh38, 1-based): chr12:106,433,854, A>G. VCF-style: chr12-106433854-A-G. GRCh37 (hg19) VCF-style: chr12-106827632-A-G.
Other names: c.1589A>G, p.Asp530Gly (NM_001160708.2); short protein forms D530G, D588G.
Identifiers: ClinVar variation 2009141 (VCV002009141.5), dbSNP rs757026963, ClinGen allele CA386390318.

ClinVar aggregate classification (germline): Uncertain significance. Review status: criteria provided, multiple submitters, no conflicts (2 of 4 stars). 2 submissions from 2 submitters: Uncertain significance (2). Last evaluated 2026-08-06.

Conditions:
Charcot-Marie-Tooth disease, demyelinating, IIA 1I. Also called: CHARCOT-MARIE-TOOTH NEUROPATHY, TYPE 1I; Charcot-Marie-Tooth disease, demyelinating, type 1I. Identifiers: MedGen C5676914, MONDO:0030677, OMIM 619742.

Submissions (2):

OLLIN Analises Genomicas, OLLIN
Classification: Uncertain significance for Charcot-Marie-Tooth disease, demyelinating, IIA 1I. Last evaluated: 2026-08-06. Review status: criteria provided, single submitter. Criteria: ACMG Guidelines 2015 PMID 25741868. Collection method: clinical testing. Allele origin: germline. Inheritance: Autosomal dominant inheritance.
Comment: This missense variant, located in exon 16 (of 28), is absent from gnomAD and has not been identified in the literature. However, it has been reported in ClinVar (accession VCV002009141.4). In silico analysis predicts that this variant has a deleterious effect. This gene is constrained for missense variation. According to the currently available evidence, this variant has been classified as uncertain significance (PM2_P, PP2, PP3_M).

Labcorp Genetics (formerly Invitae), Labcorp
Classification: Uncertain significance. Last evaluated: 2022-07-14. Review status: criteria provided, single submitter. Criteria: Invitae Variant Classification Sherloc (09022015). Collection method: clinical testing. Allele origin: germline.
Comment: This variant has not been reported in the literature in individuals affected with POLR3B-related conditions. In summary, the available evidence is currently insufficient to determine the role of this variant in disease. Therefore, it has been classified as a Variant of Uncertain Significance. Algorithms developed to predict the effect of missense changes on protein structure and function (SIFT, PolyPhen-2, Align-GVGD) all suggest that this variant is likely to be disruptive. This variant is not present in population databases (gnomAD no frequency). This sequence change replaces aspartic acid, which is acidic and polar, with glycine, which is neutral and non-polar, at codon 588 of the POLR3B protein (p.Asp588Gly).